The following is an entry in ClinVar:

NM_000548.5(TSC2):c.4658G>T (p.Gly1553Val)

Gene: TSC2 (TSC complex subunit 2; plus strand). Cytogenetic location: 16p13.3.
Variant type: single nucleotide variant.
Coding change: c.4658G>T on transcript NM_000548.5 (MANE Select); coding-DNA position 4658, G replaced by T.
Protein change: p.Gly1553Val; replaces glycine 1553 with valine.
Molecular consequence: missense variant.
Genome position (GRCh38, 1-based): chr16:2,085,318, G>T. VCF-style: chr16-2085318-G-T. GRCh37 (hg19) VCF-style: chr16-2135319-G-T.
Other names: c.4526G>T, p.Gly1509Val (NM_001370404.1); c.4529G>T, p.Gly1510Val (NM_001370405.1, NM_021055.3); c.4655G>T, p.Gly1552Val (NM_001406663.1); c.4586G>T, p.Gly1529Val (NM_001406664.1); c.4580G>T, p.Gly1527Val (NM_001406665.1); c.4550G>T, p.Gly1517Val (NM_001406667.1); c.4547G>T, p.Gly1516Val (NM_001406668.1); c.4478G>T, p.Gly1493Val (NM_001406670.1); and 26 more; short protein forms G1082V, G1309V, G1449V, G1467V, G1517V, G1527V, G1553V, G1038V.
Identifiers: ClinVar variation 2058376 (VCV002058376.4), dbSNP rs2090634038, ClinGen allele CA394305082.

ClinVar aggregate classification (germline): Uncertain significance (1 of 4 stars; one submission).

Conditions:
Tuberous sclerosis 2 (TSC2). Identifiers: Orphanet 805, MedGen C1860707, MONDO:0013199, OMIM 613254.

Submission:

Labcorp Genetics (formerly Invitae), Labcorp
Classification: Uncertain significance for Tuberous sclerosis 2. Last evaluated: 2022-01-22. Review status: criteria provided, single submitter. Criteria: Invitae Variant Classification Sherloc (09022015). Collection method: clinical testing. Allele origin: germline.
Comment: In summary, the available evidence is currently insufficient to determine the role of this variant in disease. Therefore, it has been classified as a Variant of Uncertain Significance. This sequence change replaces glycine, which is neutral and non-polar, with valine, which is neutral and non-polar, at codon 1553 of the TSC2 protein (p.Gly1553Val). This variant is not present in population databases (gnomAD no frequency). This variant has not been reported in the literature in individuals affected with TSC2-related conditions. Advanced modeling of protein sequence and biophysical properties (such as structural, functional, and spatial information, amino acid conservation, physicochemical variation, residue mobility, and thermodynamic stability) performed at Invitae indicates that this missense variant is expected to disrupt TSC2 protein function.